The following is an entry in ClinVar:

NM_014339.7(IL17RA):c.617A>C (p.Asn206Thr)

Gene: IL17RA (interleukin 17 receptor A; plus strand). Cytogenetic location: 22q11.1.
Variant type: single nucleotide variant.
Coding change: c.617A>C on transcript NM_014339.7 (MANE Select); coding-DNA position 617, A replaced by C.
Protein change: p.Asn206Thr; replaces asparagine 206 with threonine.
Molecular consequence: missense variant.
Genome position (GRCh38, 1-based): chr22:17,102,157, A>C. VCF-style: chr22-17102157-A-C. GRCh37 (hg19) VCF-style: chr22-17583047-A-C.
Other names: c.617A>C, p.Asn206Thr (NM_001289905.2); short protein forms N206T.
Identifiers: ClinVar variation 935210 (VCV000935210.9), dbSNP rs750454090, ClinGen allele CA410212879.

ClinVar aggregate classification (germline): Uncertain significance (1 of 4 stars; one submission).

Conditions:
Immunodeficiency 51 (IMD51). Also called: CANDIDIASIS, FAMILIAL, 5. Identifiers: Orphanet 1334, MedGen C4310803, MONDO:0013500, OMIM 613953.

Allele frequency attached by ClinVar (database versions not stated): TOPMed 0.00002.
gnomAD v4.1: 3 of 1,614,002 alleles (0.00019%); highest among the groups gnomAD compares: Non-Finnish European, 0.00017%; no homozygotes.

Submission:

Labcorp Genetics (formerly Invitae), Labcorp
Classification: Uncertain significance for Immunodeficiency 51. Last evaluated: 2019-09-11. Review status: criteria provided, single submitter. Criteria: Invitae Variant Classification Sherloc (09022015). Collection method: clinical testing. Allele origin: germline.
Comment: In summary, the available evidence is currently insufficient to determine the role of this variant in disease. Therefore, it has been classified as a Variant of Uncertain Significance. Algorithms developed to predict the effect of missense changes on protein structure and function are either unavailable or do not agree on the potential impact of this missense change (SIFT: "Deleterious"; PolyPhen-2: "Benign"; Align-GVGD: "Class C0"). This variant has not been reported in the literature in individuals with IL17RA-related conditions. This variant is not present in population databases (ExAC no frequency). This sequence change replaces asparagine with threonine at codon 206 of the IL17RA protein (p.Asn206Thr). The asparagine residue is moderately conserved and there is a small physicochemical difference between asparagine and threonine.